The following is an entry in ClinVar:

NM_000391.4(TPP1):c.1653dup (p.Asn552fs)

Gene: TPP1 (tripeptidyl peptidase 1; minus strand). Cytogenetic location: 11p15.4.
Variant type: Duplication.
Coding change: c.1653dup on transcript NM_000391.4 (MANE Select); coding-DNA position 1653, one base duplicated (C; older notation c.1653dupC).
Protein change: p.Asn552fs; shifts the reading frame from asparagine 552.
Molecular consequence: frameshift variant.
Genome position (GRCh38, 1-based): chr11:6,614,585, G duplicated on the plus strand (C on the coding strand, the reverse complement: TPP1 is on the minus strand); the first of 3 consecutive G bases (chr11:6,614,585-6,614,587); duplicating any one gives the same sequence. VCF-style (leftmost placement, unchanged base first): chr11-6614584-T-TG. GRCh37 (hg19) VCF-style: chr11-6635815-T-TG.
Other names: short protein forms N552fs.
Identifiers: ClinVar variation 2107675 (VCV002107675.4), dbSNP rs2493795112, ClinGen allele CA2580083986.

ClinVar aggregate classification (germline): Pathogenic (1 of 4 stars; one submission).

Submission:

Labcorp Genetics (formerly Invitae), Labcorp
Classification: Pathogenic. Last evaluated: 2022-03-08. Review status: criteria provided, single submitter. Criteria: Invitae Variant Classification Sherloc (09022015). Collection method: clinical testing. Allele origin: germline.
Comment: For these reasons, this variant has been classified as Pathogenic. This variant results in an extension of the TPP1 protein. Other variant(s) that result in a similarly extended protein product (p.Leu560Thrfs*47 ) have been determined to be pathogenic (PMID: 10330339, 21990111; Invitae). This suggests that these extensions are likely to be disease-causing. This variant has not been reported in the literature in individuals affected with TPP1-related conditions. This variant is not present in population databases (gnomAD no frequency). This sequence change results in a frameshift in the TPP1 gene (p.Asn552Glnfs*56). While this is not anticipated to result in nonsense mediated decay, it is expected to disrupt the last 12 amino acid(s) of the TPP1 protein and extend the protein by 43 additional amino acid residues.

Literature cited by the submitters: PubMed 10330339; PubMed 21990111.